The following is an entry in ClinVar:

ClinVar aggregate classification (germline): Uncertain significance (1 of 4 stars; one submission).

Conditions:
Ataxia-telangiectasia syndrome (AT). Also called: AT, COMPLEMENTATION GROUP C; Ataxia telangiectasia (A-T); Cerebello-oculocutaneous telangiectasia; Immunodeficiency with ataxia telangiectasia; LOUIS-BAR SYNDROME; Ataxia-telangiectasia. Identifiers: Orphanet 100, MedGen C0004135, MONDO:0008840, OMIM 208900.

Submission:

Labcorp Genetics (formerly Invitae), Labcorp
Classification: Uncertain significance for Ataxia-telangiectasia syndrome. Last evaluated: 2019-09-27. Review status: criteria provided, single submitter. Criteria: Invitae Variant Classification Sherloc (09022015). Collection method: clinical testing. Allele origin: germline.
Comment: In summary, the available evidence is currently insufficient to determine the role of this variant in disease. Therefore, it has been classified as a Variant of Uncertain Significance. Algorithms developed to predict the effect of missense changes on protein structure and function are either unavailable or do not agree on the potential impact of this missense change (SIFT: "Tolerated"; PolyPhen-2: "Possibly Damaging"; Align-GVGD: "Class C0"). This variant has not been reported in the literature in individuals with ATM-related conditions. This variant is not present in population databases (ExAC no frequency). This sequence change replaces glutamic acid with glutamine at codon 1664 of the ATM protein (p.Glu1664Gln). The glutamic acid residue is moderately conserved and there is a small physicochemical difference between glutamic acid and glutamine.

NM_000051.4(ATM):c.4990G>C (p.Glu1664Gln)

Gene: ATM (ATM serine/threonine kinase; plus strand). Cytogenetic location: 11q22.3.
Variant type: single nucleotide variant.
Coding change: c.4990G>C on transcript NM_000051.4 (MANE Select); coding-DNA position 4990, G replaced by C.
Protein change: p.Glu1664Gln; replaces glutamic acid 1664 with glutamine.
Molecular consequence: missense variant.
Genome position (GRCh38, 1-based): chr11:108,297,367, G>C. VCF-style: chr11-108297367-G-C. GRCh37 (hg19) VCF-style: chr11-108168094-G-C.
Other names: c.4990G>C, p.Glu1664Gln (NM_001351834.2); short protein forms E1664Q.
Identifiers: ClinVar variation 958839 (VCV000958839.7), dbSNP rs1555103301, ClinGen allele CA382538515.
Genomic context (GRCh38, chr11:108,297,367, plus strand): 5'-ATGGTGAAACTAGTTGTCAATTTGTTGCAGTTATCCAAGATGGCAATAAACCACACTGGT[G>C]AAAAAGAAGTTCTAGGTAAACTACAGTCATGCGCTGCGTGACATTTCAGTCAACTGCGGA-3'
Protein context (NP_000042.3, residues 1654-1674): LSKMAINHTG[Glu1664Gln]KEVLEAVGSC